The following is an entry in ClinVar:

ClinVar aggregate classification (germline): Likely pathogenic (0 of 4 stars; one submission).

Conditions:
KMT2D-related disorder. Also called: KMT2D-Related Disorders.

Submission:

PreventionGenetics, part of Exact Sciences
Classification: Likely pathogenic for KMT2D-related condition. Last evaluated: 2024-08-06. Review status: no assertion criteria provided. Collection method: clinical testing. Allele origin: germline.
Comment: The KMT2D c.4214A>T variant is predicted to result in the amino acid substitution p.His1405Leu. This variant has been reported in as a de novo finding in an individual with Kabuki syndrome (Bögershausen et al. 2016. PubMed ID: 27302555). This variant has not been reported in a large population database, indicating this variant is rare. This variant is interpreted as likely pathogenic.

NM_003482.4(KMT2D):c.4214A>T (p.His1405Leu)

Gene: KMT2D (lysine methyltransferase 2D; minus strand). Cytogenetic location: 12q13.12.
Variant type: single nucleotide variant.
Coding change: c.4214A>T on transcript NM_003482.4 (MANE Select); coding-DNA position 4214, A replaced by T.
Protein change: p.His1405Leu; replaces histidine 1405 with leucine.
Molecular consequence: missense variant.
Genome position (GRCh38, 1-based): chr12:49,047,987, T>A on the plus strand (A>T on the coding strand, the complement: KMT2D is on the minus strand). VCF-style: chr12-49047987-T-A. GRCh37 (hg19) VCF-style: chr12-49441770-T-A.
Other names: short protein forms H1405L.
Identifiers: ClinVar variation 3344657 (VCV003344657.1).